The following is an entry in ClinVar:

NM_152383.5(DIS3L2):c.1861C>G (p.Leu621Val)

Gene: DIS3L2 (DIS3 like 3'-5' exoribonuclease 2; plus strand). Cytogenetic location: 2q37.1.
Variant type: single nucleotide variant.
Coding change: c.1861C>G on transcript NM_152383.5 (MANE Select); coding-DNA position 1861, C replaced by G.
Protein change: p.Leu621Val; replaces leucine 621 with valine.
Molecular consequence: missense variant. On other transcripts: non-coding transcript variant (2), intron variant (1).
Genome position (GRCh38, 1-based): chr2:232,329,934, C>G. VCF-style: chr2-232329934-C-G. GRCh37 (hg19) VCF-style: chr2-233194644-C-G.
Other names: c.1582-13411C>G (NM_001257281.2); short protein forms L621V.
Identifiers: ClinVar variation 2903175 (VCV002903175.3), dbSNP rs2469434492, ClinGen allele CA350976175.

ClinVar aggregate classification (germline): Uncertain significance (1 of 4 stars; one submission).

Conditions:
Perlman syndrome (PRLMNS). Identifiers: Orphanet 2849, MedGen C0796113, MONDO:0009965, OMIM 267000.

Submission:

Labcorp Genetics (formerly Invitae), Labcorp
Classification: Uncertain significance for Perlman syndrome. Last evaluated: 2023-01-22. Review status: criteria provided, single submitter. Criteria: Invitae Variant Classification Sherloc (09022015). Collection method: clinical testing. Allele origin: germline.
Comment: In summary, the available evidence is currently insufficient to determine the role of this variant in disease. Therefore, it has been classified as a Variant of Uncertain Significance. Advanced modeling of protein sequence and biophysical properties (such as structural, functional, and spatial information, amino acid conservation, physicochemical variation, residue mobility, and thermodynamic stability) performed at Invitae indicates that this missense variant is not expected to disrupt DIS3L2 protein function. This variant has not been reported in the literature in individuals affected with DIS3L2-related conditions. This variant is not present in population databases (gnomAD no frequency). This sequence change replaces leucine, which is neutral and non-polar, with valine, which is neutral and non-polar, at codon 621 of the DIS3L2 protein (p.Leu621Val).